The following is an entry in ClinVar:

ClinVar aggregate classification (germline): Uncertain significance (1 of 4 stars; one submission).

Allele frequency attached by ClinVar (database versions not stated): gnomAD exomes below 0.00001; ExAC 0.00001; gnomAD 0.00001; TOPMed 0.00002; ESP Exome Variant Server 0.00008.

Submission:

Labcorp Genetics (formerly Invitae), Labcorp
Classification: Uncertain significance. Last evaluated: 2023-09-19. Review status: criteria provided, single submitter. Criteria: Invitae Variant Classification Sherloc (09022015). Collection method: clinical testing. Allele origin: germline.
Comment: This sequence change falls in intron 14 of the SEC24D gene. It does not directly change the encoded amino acid sequence of the SEC24D protein. This variant is not present in population databases (gnomAD no frequency). This variant has not been reported in the literature in individuals affected with SEC24D-related conditions. Algorithms developed to predict the effect of sequence changes on RNA splicing suggest that this variant may create or strengthen a splice site. In summary, the available evidence is currently insufficient to determine the role of this variant in disease. Therefore, it has been classified as a Variant of Uncertain Significance.

NM_014822.4(SEC24D):c.1824+17_1824+18dup

Gene: SEC24D (SEC24 homolog D, COPII component; minus strand). Cytogenetic location: 4q26.
Variant type: Duplication.
Coding change: c.1824+17_1824+18dup on transcript NM_014822.4 (MANE Select); bases 17 to 18 of the intron after coding-DNA position 1824, 2 bases duplicated (TG; older notation c.1824+17_1824+18dupTG).
Molecular consequence: intron variant.
Genome position (GRCh38, 1-based): chr4:118,744,926-118,744,927, CA duplicated on the plus strand (TG on the coding strand, the reverse complement: SEC24D is on the minus strand). VCF-style (leftmost placement, unchanged base first): chr4-118744925-T-TCA. GRCh37 (hg19) VCF-style: chr4-119666080-T-TCA.
Other names: c.1827+17_1827+18dup (NM_001318066.2).
Identifiers: ClinVar variation 3005630 (VCV003005630.3), dbSNP rs761293107, ClinGen allele CA3057151.